The following is an entry in ClinVar:

ClinVar aggregate classification (germline): Likely benign. Review status: criteria provided, multiple submitters, no conflicts (2 of 4 stars). 3 submissions from 3 submitters: Likely benign (2). 1 of the submissions does not count toward it. Last evaluated 2025-10-12.

Conditions:
SDCCAG8-related disorder. Also called: SDCCAG8-Related Disorders; SDCCAG8-related condition.
Bardet-Biedl syndrome 16 (BBS16). Identifiers: Orphanet 110, MedGen C3889474, MONDO:0014444, OMIM 615993.
Senior-Loken syndrome 7 (SLSN7). Identifiers: Orphanet 3156, MedGen C3150877, MONDO:0013326, OMIM 613615.

Allele frequency attached by ClinVar (database versions not stated): ExAC 0.00003; gnomAD exomes 0.00004 and 0.00015; TOPMed 0.00005; gnomAD 0.00006; ESP Exome Variant Server 0.00023.
gnomAD v4.1: 221 of 1,614,006 alleles (0.014%); highest among the groups gnomAD compares: Non-Finnish European, 0.018%; 1 homozygote.

Submissions (3):

Labcorp Genetics (formerly Invitae), Labcorp
Classification: Likely benign for Bardet-Biedl syndrome 16; Senior-Loken syndrome 7. Last evaluated: 2025-10-12. Review status: criteria provided, single submitter. Criteria: Invitae Variant Classification Sherloc (09022015). Collection method: clinical testing. Allele origin: germline.

Blueprint Genetics
Classification: Likely benign. Last evaluated: 2024-02-21. Review status: criteria provided, single submitter. Criteria: ACMG Guidelines, 2015. Collection method: clinical testing. Allele origin: germline.

PreventionGenetics, part of Exact Sciences
Classification: Likely benign for SDCCAG8-related condition. Last evaluated: 2022-03-15. Review status: no assertion criteria provided. Collection method: clinical testing. Allele origin: germline. Not counted in ClinVar's aggregate classification.
Comment: This variant is classified as likely benign based on ACMG/AMP sequence variant interpretation guidelines (Richards et al. 2015 PMID: 25741868, with internal and published modifications).

NM_006642.5(SDCCAG8):c.1071T>C (p.Ala357=)

Gene: SDCCAG8 (SHH signaling and ciliogenesis regulator SDCCAG8; plus strand). Cytogenetic location: 1q43.
Variant type: single nucleotide variant.
Coding change: c.1071T>C on transcript NM_006642.5 (MANE Select); coding-DNA position 1071, T replaced by C.
Protein change: p.Ala357=; no amino-acid change (alanine 357 retained).
Molecular consequence: synonymous variant.
Genome position (GRCh38, 1-based): chr1:243,330,542, T>C. VCF-style: chr1-243330542-T-C. GRCh37 (hg19) VCF-style: chr1-243493844-T-C.
Other names: c.168T>C, p.Ala56= (NM_001350246.2, NM_001350247.2, NM_001350251.2); c.1167T>C, p.Ala389= (NM_001350248.2); c.777T>C, p.Ala259= (NM_001350249.2); c.1071T>C (NM_006642.3).
Identifiers: ClinVar variation 1132740 (VCV001132740.11), dbSNP rs144234264, ClinGen allele CA1483549.
Genomic context (GRCh38, chr1:243,330,542, plus strand): 5'-TTTACCTATATTTTTTCCAAATTCTAACCTCCTCTTTCAATCTGTTCTATCCTGGCAGGC[T>C]TTAATCCAGTGTGACCAGTTGAGGAAGGAGCTGGAGAGGCAGGCGGAGCGACTTGAAAAA-3'
Protein context (NP_006633.1, residues 347-367): SEEANFEKTK[Ala357=]LIQCDQLRKE